The following is an entry in ClinVar:

ClinVar aggregate classification (germline): Uncertain significance. Review status: criteria provided, multiple submitters, no conflicts (2 of 4 stars). 2 submissions from 2 submitters: Uncertain significance (2). Last evaluated 2023-11-27.

Conditions:
Hereditary spastic paraplegia 11. Also called: Nakamura Osame syndrome; Autosomal recessive hereditary spastic paraplegia, mental impairment, and thin corpus callosum; SPASTIC PARAPLEGIA, AUTOSOMAL RECESSIVE, COMPLICATED, WITH THIN CORPUS CALLOSUM; SPASTIC PARAPLEGIA, AUTOSOMAL RECESSIVE, WITH MENTAL IMPAIRMENT AND THIN CORPUS CALLOSUM; Spastic paraplegia, mental retardation and thin corpus callosum; Spastic Paraplegia 11. Identifiers: Orphanet 2822, MedGen C1858479, MONDO:0011445, OMIM 604360.

Allele frequency attached by ClinVar (database versions not stated): ExAC 0.00001; gnomAD 0.00001; gnomAD exomes 0.00001; TOPMed 0.00001; ESP Exome Variant Server 0.00008.
gnomAD v4.1: 11 of 1,613,900 alleles (0.00068%); highest among the groups gnomAD compares: South Asian, 0.0011%; no homozygotes.

Submissions (2):

Mayo Clinic Laboratories, Mayo Clinic
Classification: Uncertain significance. Last evaluated: 2023-11-27. Review status: criteria provided, single submitter. Criteria: ACMG Guidelines, 2015. Collection method: clinical testing. Allele origin: germline. Observed: 1 variant allele.
Comment: BP4, PM2_moderate

Labcorp Genetics (formerly Invitae), Labcorp
Classification: Uncertain significance for Hereditary spastic paraplegia 11. Last evaluated: 2022-08-23. Review status: criteria provided, single submitter. Criteria: Invitae Variant Classification Sherloc (09022015). Collection method: clinical testing. Allele origin: germline.
Comment: This sequence change replaces histidine, which is basic and polar, with arginine, which is basic and polar, at codon 368 of the SPG11 protein (p.His368Arg). This variant is present in population databases (rs151226459, gnomAD 0.003%). This variant has not been reported in the literature in individuals affected with SPG11-related conditions. ClinVar contains an entry for this variant (Variation ID: 847745). Algorithms developed to predict the effect of missense changes on protein structure and function output the following: SIFT: "Tolerated"; PolyPhen-2: "Benign"; Align-GVGD: "Class C0". The arginine amino acid residue is found in multiple mammalian species, which suggests that this missense change does not adversely affect protein function. In summary, the available evidence is currently insufficient to determine the role of this variant in disease. Therefore, it has been classified as a Variant of Uncertain Significance.

NM_025137.4(SPG11):c.1103A>G (p.His368Arg)

Gene: SPG11 (SPG11 vesicle trafficking associated, spatacsin; minus strand). Cytogenetic location: 15q21.1.
Variant type: single nucleotide variant.
Coding change: c.1103A>G on transcript NM_025137.4 (MANE Select); coding-DNA position 1103, A replaced by G.
Protein change: p.His368Arg; replaces histidine 368 with arginine.
Molecular consequence: missense variant.
Genome position (GRCh38, 1-based): chr15:44,651,844, T>C on the plus strand (A>G on the coding strand, the complement: SPG11 is on the minus strand). VCF-style: chr15-44651844-T-C. GRCh37 (hg19) VCF-style: chr15-44944042-T-C.
Other names: p.His368Arg; c.1103A>G, p.His368Arg (NM_001160227.2); short protein forms H368R.
Identifiers: ClinVar variation 847745 (VCV000847745.8), dbSNP rs151226459, ClinGen allele CA7535620.